The following is an entry in ClinVar:

ClinVar aggregate classification (germline): Likely pathogenic (1 of 4 stars; one submission).

Conditions:
Nicolaides-Baraitser syndrome (NCBRS). Also called: Intellectual disability-sparse hair-brachydactyly syndrome; SMARCA2-Related Nicolaides-Baraitser Syndrome. Identifiers: Orphanet 3051, MedGen C1303073, MONDO:0011053, OMIM 601358.
Blepharophimosis-impaired intellectual development syndrome. Identifiers: Orphanet 637013, MedGen C5443984, MONDO:0859139, OMIM 619293.

Submission:

Juno Genomics, Hangzhou Juno Genomics, Inc
Classification: Likely pathogenic for Blepharophimosis-impaired intellectual development syndrome; Nicolaides-Baraitser syndrome. Review status: criteria provided, single submitter. Criteria: ACMG Guidelines, 2015. Collection method: clinical testing. Allele origin: germline. Affected: yes.
Comment: Absent from controls (or at extremely low frequency if recessive) in Genome Aggregation Database, Exome Sequencing Project, 1000 Genomes Project, or Exome Aggregation Consortium.;De novo (both maternity and paternity confirmed) in a patient with the disease and no family history.;Multiple lines of computational evidence support a deleterious effect on the gene or gene product (conservation, evolutionary, splicing impact, etc).;Missense variant in a gene that has a low rate of benign missense variation and where missense variants are a common mechanism of disease.;Located in a mutational hot spot and/or critical and well-established functional domain (e.g. active site of an enzyme) without benign variation.

NM_003070.5(SMARCA2):c.3421G>A (p.Val1141Met)

Gene: SMARCA2 (SWI/SNF related BAF chromatin remodeling complex subunit ATPase 2; plus strand). Cytogenetic location: 9p24.3.
Variant type: single nucleotide variant.
Coding change: c.3421G>A on transcript NM_003070.5 (MANE Select); coding-DNA position 3421, G replaced by A.
Protein change: p.Val1141Met; replaces valine 1141 with methionine.
Molecular consequence: missense variant.
Genome position (GRCh38, 1-based): chr9:2,110,382, G>A. VCF-style: chr9-2110382-G-A. GRCh37 (hg19) VCF-style: chr9-2110382-G-A.
Other names: c.3421G>A, p.Val1141Met (NM_001289396.2, NM_139045.4); c.3247G>A, p.Val1083Met (NM_001289397.2); short protein forms V1083M, V1141M.
Identifiers: ClinVar variation 4533248 (VCV004533248.1).